The following is an entry in ClinVar:

ClinVar aggregate classification (germline): Uncertain significance (1 of 4 stars; one submission).

Conditions:
PCNT-related disorder. Also called: PCNT-related condition.

gnomAD v4.1: 6 of 1,608,216 alleles (0.00037%); highest among the groups gnomAD compares: Admixed American, 0.0017%; no homozygotes.

Submission:

PreventionGenetics, part of Exact Sciences
Classification: Uncertain significance for PCNT-related condition. Last evaluated: 2025-07-29. Review status: criteria provided, single submitter. Criteria: ACMG Guidelines, 2015. Collection method: clinical testing. Allele origin: germline.
Comment: The PCNT c.5948A>T variant is predicted to result in the amino acid substitution p.Glu1983Val. To our knowledge, this variant has not been reported in the literature. This variant is reported in 0.0029% of alleles in individuals of Latino descent in gnomAD. At this time, the clinical significance of this variant is uncertain due to the absence of conclusive functional and genetic evidence.

NM_006031.6(PCNT):c.5948A>T (p.Glu1983Val)

Gene: PCNT (pericentrin; plus strand). Cytogenetic location: 21q22.3.
Variant type: single nucleotide variant.
Coding change: c.5948A>T on transcript NM_006031.6 (MANE Select); coding-DNA position 5948, A replaced by T.
Protein change: p.Glu1983Val; replaces glutamic acid 1983 with valine.
Molecular consequence: missense variant.
Genome position (GRCh38, 1-based): chr21:46,412,021, A>T. VCF-style: chr21-46412021-A-T. GRCh37 (hg19) VCF-style: chr21-47831935-A-T.
Other names: c.5594A>T, p.Glu1865Val (NM_001315529.2); short protein forms E1865V, E1983V.
Identifiers: ClinVar variation 4989958 (VCV004989958.1).